The following is an entry in ClinVar:

ClinVar aggregate classification (germline): Uncertain significance (0 of 4 stars; one submission).

Conditions:
NCOA1-related disorder. Also called: NCOA1-related condition.

Allele frequency attached by ClinVar (database versions not stated): gnomAD exomes 0.00002; ExAC 0.00005; ESP Exome Variant Server 0.00008; TOPMed 0.00008; gnomAD 0.00012.
gnomAD v4.1: 52 of 1,613,748 alleles (0.0032%); highest among the groups gnomAD compares: Admixed American, 0.045%; no homozygotes.

Submission:

PreventionGenetics, part of Exact Sciences
Classification: Uncertain significance for NCOA1-related condition. Last evaluated: 2024-03-27. Review status: no assertion criteria provided. Collection method: clinical testing. Allele origin: germline.
Comment: The NCOA1 c.2434G>A variant is predicted to result in the amino acid substitution p.Asp812Asn. To our knowledge, this variant has not been reported in the literature. This variant is reported in 0.031% of alleles in individuals of Latino descent in gnomAD. At this time, the clinical significance of this variant is uncertain due to the absence of conclusive functional and genetic evidence.

NM_003743.5(NCOA1):c.2434G>A (p.Asp812Asn)

Gene: NCOA1 (nuclear receptor coactivator 1; plus strand). Cytogenetic location: 2p23.3.
Variant type: single nucleotide variant.
Coding change: c.2434G>A on transcript NM_003743.5 (MANE Select); coding-DNA position 2434, G replaced by A.
Protein change: p.Asp812Asn; replaces aspartic acid 812 with asparagine.
Molecular consequence: missense variant.
Genome position (GRCh38, 1-based): chr2:24,710,946, G>A. VCF-style: chr2-24710946-G-A. GRCh37 (hg19) VCF-style: chr2-24933815-G-A.
Other names: c.2434G>A, p.Asp812Asn (NM_001362950.1, NM_001362952.1, NM_001362954.1 and 3 more transcripts); short protein forms D812N.
Identifiers: ClinVar variation 2629566 (VCV002629566.2), dbSNP rs146794228, ClinGen allele CA1552405.